The following is an entry in ClinVar:

ClinVar aggregate classification (germline): Uncertain significance (1 of 4 stars; one submission).

Submission:

Labcorp Genetics (formerly Invitae), Labcorp
Classification: Uncertain significance. Last evaluated: 2022-07-26. Review status: criteria provided, single submitter. Criteria: Invitae Variant Classification Sherloc (09022015). Collection method: clinical testing. Allele origin: germline.
Comment: In summary, the available evidence is currently insufficient to determine the role of this variant in disease. Therefore, it has been classified as a Variant of Uncertain Significance. Algorithms developed to predict the effect of missense changes on protein structure and function are either unavailable or do not agree on the potential impact of this missense change (SIFT: "Tolerated"; PolyPhen-2: "Probably Damaging"; Align-GVGD: "Class C0"). ClinVar contains an entry for this variant (Variation ID: 1365250). This variant has not been reported in the literature in individuals affected with IRF2BP2-related conditions. This variant is not present in population databases (gnomAD no frequency). This sequence change replaces aspartic acid, which is acidic and polar, with glutamic acid, which is acidic and polar, at codon 297 of the IRF2BP2 protein (p.Asp297Glu).

NM_182972.3(IRF2BP2):c.891C>G (p.Asp297Glu)

Gene: IRF2BP2 (interferon regulatory factor 2 binding protein 2; minus strand). Cytogenetic location: 1q42.3.
Variant type: single nucleotide variant.
Coding change: c.891C>G on transcript NM_182972.3 (MANE Select); coding-DNA position 891, C replaced by G.
Protein change: p.Asp297Glu; replaces aspartic acid 297 with glutamic acid.
Molecular consequence: missense variant.
Genome position (GRCh38, 1-based): chr1:234,608,604, G>C on the plus strand (C>G on the coding strand, the complement: IRF2BP2 is on the minus strand). VCF-style: chr1-234608604-G-C. GRCh37 (hg19) VCF-style: chr1-234744350-G-C.
Other names: c.891C>G, p.Asp297Glu (NM_001077397.1); short protein forms D297E.
Identifiers: ClinVar variation 1365250 (VCV001365250.8), dbSNP rs534658803, ClinGen allele CA39546144.